The following is an entry in ClinVar:

ClinVar aggregate classification (germline): Uncertain significance. Review status: criteria provided, multiple submitters, no conflicts (2 of 4 stars). 2 submissions from 2 submitters: Uncertain significance (2). Last evaluated 2025-08-06.

Conditions:
Inborn genetic diseases. Identifiers: MedGen C0950123, MeSH D030342.
Intellectual disability, autosomal recessive 42 (NEDDSBA). Also called: Neurodevelopmental disorder with dysmorphic features, spasticity, and brain abnormalities; GLYCOSYLPHOSPHATIDYLINOSITOL BIOSYNTHESIS DEFECT 9. Identifiers: Orphanet 88616, MedGen C4014343, MONDO:0014348, OMIM 615802.

Allele frequency attached by ClinVar (database versions not stated): TOPMed below 0.00001.
gnomAD v4.1: 4 of 1,584,448 alleles (0.00025%); highest among the groups gnomAD compares: Non-Finnish European, 0.00034%; no homozygotes.

Submissions (2):

Ambry Genetics
Classification: Uncertain significance for Inborn genetic diseases. Last evaluated: 2025-08-06. Review status: criteria provided, single submitter. Criteria: Ambry Variant Classification Scheme 2023. Collection method: clinical testing. Allele origin: germline.

Labcorp Genetics (formerly Invitae), Labcorp
Classification: Uncertain significance for Intellectual disability, autosomal recessive 42. Last evaluated: 2021-12-03. Review status: criteria provided, single submitter. Criteria: Invitae Variant Classification Sherloc (09022015). Collection method: clinical testing. Allele origin: germline.
Comment: This variant is not present in population databases (gnomAD no frequency). This sequence change replaces alanine, which is neutral and non-polar, with threonine, which is neutral and polar, at codon 298 of the PGAP1 protein (p.Ala298Thr). This variant has not been reported in the literature in individuals affected with PGAP1-related conditions. Algorithms developed to predict the effect of missense changes on protein structure and function are either unavailable or do not agree on the potential impact of this missense change (SIFT: "Tolerated"; PolyPhen-2: "Possibly Damaging"; Align-GVGD: "Class C0"). In summary, the available evidence is currently insufficient to determine the role of this variant in disease. Therefore, it has been classified as a Variant of Uncertain Significance.

NM_024989.4(PGAP1):c.892G>A (p.Ala298Thr)

Gene: PGAP1 (post-GPI attachment to proteins inositol deacylase 1; minus strand). Cytogenetic location: 2q33.1.
Variant type: single nucleotide variant.
Coding change: c.892G>A on transcript NM_024989.4 (MANE Select); coding-DNA position 892, G replaced by A.
Protein change: p.Ala298Thr; replaces alanine 298 with threonine.
Molecular consequence: missense variant. On other transcripts: 5 prime UTR variant (1).
Genome position (GRCh38, 1-based): chr2:196,897,166, C>T on the plus strand (G>A on the coding strand, the complement: PGAP1 is on the minus strand). VCF-style: chr2-196897166-C-T. GRCh37 (hg19) VCF-style: chr2-197761890-C-T.
Other names: c.370G>A, p.Ala124Thr (NM_001321099.2); c.-220G>A (NM_001321100.2); c.892G>A (NM_024989.3); short protein forms A298T, A124T.
Identifiers: ClinVar variation 1402868 (VCV001402868.9), dbSNP rs1385705047, ClinGen allele CA350176860.